The following is an entry in ClinVar:

ClinVar aggregate classification (germline): Uncertain significance (1 of 4 stars; one submission).

Submission:

GeneDx
Classification: Uncertain significance. Last evaluated: 2023-06-26. Review status: criteria provided, single submitter. Criteria: GeneDx Variant Classification Process June 2021. Collection method: clinical testing. Allele origin: germline. Affected: yes.
Comment: Has not been previously published as pathogenic or benign to our knowledge; Not observed at significant frequency in large population cohorts (gnomAD); In silico analysis supports that this missense variant has a deleterious effect on protein structure/function

NM_006940.6(SOX5):c.953T>C (p.Leu318Pro)

Gene: SOX5 (SRY-box transcription factor 5; minus strand). Cytogenetic location: 12p12.1.
Variant type: single nucleotide variant.
Coding change: c.953T>C on transcript NM_006940.6 (MANE Select); coding-DNA position 953, T replaced by C.
Protein change: p.Leu318Pro; replaces leucine 318 with proline.
Molecular consequence: missense variant.
Genome position (GRCh38, 1-based): chr12:23,640,876, A>G on the plus strand (T>C on the coding strand, the complement: SOX5 is on the minus strand). VCF-style: chr12-23640876-A-G. GRCh37 (hg19) VCF-style: chr12-23793810-A-G.
Other names: c.914T>C, p.Leu305Pro (NM_001261414.3, NM_152989.5); c.923T>C, p.Leu308Pro (NM_001261415.3); c.848T>C, p.Leu283Pro (NM_001330785.2); short protein forms L283P, L305P, L308P, L318P.
Identifiers: ClinVar variation 3360421 (VCV003360421.1).
Genomic context (GRCh38, chr12:23,640,876, plus strand): 5'-AGTTGGAGTGGGCCTAAGCCTGGTGTTGCTGCGGCAGCAGCTGCCATGGTAGTTGGGATC[A>G]GCTGAACAGGGTAAGGGTCACCTAAGTAAGAGAATAATAGAGGCGTCAGCACCTTTTATC-3'
Protein context (NP_008871.3, residues 308-328): AGCSDPYPVQ[Leu318Pro]IPTTMAAAAA